The following is an entry in ClinVar:

ClinVar aggregate classification (germline): Pathogenic (1 of 4 stars; one submission).

Conditions:
Ehlers-Danlos syndrome, classic type, 1 (EDSCL1). Also called: Ehlers-Danlos syndrome, type 1; Ehlers-Danlos Syndrome, Classic Type, COL5A1-Related; EDS I; EHLERS-DANLOS SYNDROME, GRAVIS TYPE; EHLERS-DANLOS SYNDROME, SEVERE CLASSIC TYPE. Identifiers: MedGen C0268335, MONDO:0019567, OMIM 130000.

Submission:

Labcorp Genetics (formerly Invitae), Labcorp
Classification: Pathogenic for Ehlers-Danlos syndrome, classic type, 1. Last evaluated: 2022-12-06. Review status: criteria provided, single submitter. Criteria: Invitae Variant Classification Sherloc (09022015). Collection method: clinical testing. Allele origin: germline.
Comment: For these reasons, this variant has been classified as Pathogenic. This sequence change creates a premature translational stop signal (p.Asn852Metfs*222) in the COL5A1 gene. It is expected to result in an absent or disrupted protein product. Loss-of-function variants in COL5A1 are known to be pathogenic (PMID: 23587214). This variant is not present in population databases (gnomAD no frequency). This variant has not been reported in the literature in individuals affected with COL5A1-related conditions. ClinVar contains an entry for this variant (Variation ID: 858095).

Literature cited by the submitters: PubMed 23587214.

NM_000093.5(COL5A1):c.2553del (p.Asn852fs)

Gene: COL5A1 (collagen type V alpha 1 chain; plus strand). Cytogenetic location: 9q34.3.
Variant type: Deletion.
Coding change: c.2553del on transcript NM_000093.5 (MANE Select); coding-DNA position 2553, one base deleted (C; older notation c.2553delC).
Protein change: p.Asn852fs; shifts the reading frame from asparagine 852.
Molecular consequence: frameshift variant.
Genome position (GRCh38, 1-based): chr9:134,785,057, C deleted; the last of 3 consecutive C bases (chr9:134,785,055-134,785,057); deleting any one gives the same sequence. VCF-style (leftmost placement, unchanged base first): chr9-134785054-TC-T. GRCh37 (hg19) VCF-style: chr9-137676900-TC-T.
Other names: c.2553del, p.Asn852fs (NM_001278074.1); short protein forms N852fs.
Identifiers: ClinVar variation 858095 (VCV000858095.47), dbSNP rs1837406273, ClinGen allele CA916083085.